The following is an entry in ClinVar:

ClinVar aggregate classification (germline): Uncertain significance. Review status: criteria provided, multiple submitters, no conflicts (2 of 4 stars). 2 submissions from 2 submitters: Uncertain significance (2). Last evaluated 2024-09-30.

Conditions:
Inborn genetic diseases. Identifiers: MedGen C0950123, MeSH D030342.

Allele frequency attached by ClinVar (database versions not stated): gnomAD exomes below 0.00001; ExAC 0.00001; TOPMed 0.00001; gnomAD 0.00003; ESP Exome Variant Server 0.00008.
gnomAD v4.1: 24 of 1,605,530 alleles (0.0015%); highest among the groups gnomAD compares: African/African-American, 0.004%; no homozygotes.

Submissions (2):

Ambry Genetics
Classification: Uncertain significance for Inborn genetic diseases. Last evaluated: 2024-09-30. Review status: criteria provided, single submitter. Criteria: Ambry Variant Classification Scheme 2023. Collection method: clinical testing. Allele origin: germline.

Labcorp Genetics (formerly Invitae), Labcorp
Classification: Uncertain significance. Last evaluated: 2021-11-11. Review status: criteria provided, single submitter. Criteria: Invitae Variant Classification Sherloc (09022015). Collection method: clinical testing. Allele origin: germline.
Comment: In summary, the available evidence is currently insufficient to determine the role of this variant in disease. Therefore, it has been classified as a Variant of Uncertain Significance. Algorithms developed to predict the effect of sequence changes on RNA splicing suggest that this variant may create or strengthen a splice site. Algorithms developed to predict the effect of missense changes on protein structure and function are either unavailable or do not agree on the potential impact of this missense change (SIFT: "Tolerated"; PolyPhen-2: "Possibly Damaging"; Align-GVGD: "Class C0"). This variant has not been reported in the literature in individuals affected with HSPG2-related conditions. This variant is present in population databases (rs143498383, gnomAD 0.004%). This sequence change replaces leucine, which is neutral and non-polar, with valine, which is neutral and non-polar, at codon 3752 of the HSPG2 protein (p.Leu3752Val).

NM_005529.7(HSPG2):c.11254C>G (p.Leu3752Val)

Gene: HSPG2 (heparan sulfate proteoglycan 2; minus strand). Cytogenetic location: 1p36.12.
Variant type: single nucleotide variant.
Coding change: c.11254C>G on transcript NM_005529.7 (MANE Select); coding-DNA position 11254, C replaced by G.
Protein change: p.Leu3752Val; replaces leucine 3752 with valine.
Molecular consequence: missense variant.
Genome position (GRCh38, 1-based): chr1:21,831,750, G>C on the plus strand (C>G on the coding strand, the complement: HSPG2 is on the minus strand). VCF-style: chr1-21831750-G-C. GRCh37 (hg19) VCF-style: chr1-22158243-G-C.
Other names: c.11257C>G, p.Leu3753Val (NM_001291860.2); c.11254C>G (NM_005529.5); short protein forms L3752V, L3753V.
Identifiers: ClinVar variation 1468550 (VCV001468550.7), dbSNP rs143498383, ClinGen allele CA669857.